The following is an entry in ClinVar:

NM_001384900.1(SEMA3D):c.-10del

Gene: SEMA3D (semaphorin 3D; minus strand). Cytogenetic location: 7q21.11.
Variant type: Deletion.
Coding change: c.-10del on transcript NM_001384900.1 (MANE Select); 10 bases upstream of the start codon, one base deleted (T; older notation c.-10delT).
Molecular consequence: 5 prime UTR variant.
Genome position (GRCh38, 1-based): chr7:85,121,901, A deleted on the plus strand (T on the coding strand, the reverse complement: SEMA3D is on the minus strand); the first of 2 consecutive A bases (chr7:85,121,901-85,121,902); deleting either gives the same sequence. VCF-style (leftmost placement, unchanged base first): chr7-85121900-CA-C. GRCh37 (hg19) VCF-style: chr7-84751216-CA-C.
Other names: c.-10del (NM_001384901.1, NM_001384902.1, NM_001384903.1 and 1 more transcripts).
Identifiers: ClinVar variation 3346398 (VCV003346398.1).
Genomic context (GRCh38, chr7:85,121,900, plus strand): 5'-GGTGAAAATCTTGGCTTCTGGCTTTAAGTCTTTCATCTTTATTAGCATTCATGATGAAAA[CA>C]ATGTTCTCTTTCAAATGGTGTTAATTTAATCTAAAAAAGAGTAAAAAAAAAAAAACTATT-3'

ClinVar aggregate classification (germline): Likely benign (0 of 4 stars; one submission).

Conditions:
SEMA3D-related disorder. Also called: SEMA3D-related condition.

Submission:

PreventionGenetics, part of Exact Sciences
Classification: Likely benign for SEMA3D-related condition. Last evaluated: 2024-05-08. Review status: no assertion criteria provided. Collection method: clinical testing. Allele origin: germline.
Comment: This variant is classified as likely benign based on ACMG/AMP sequence variant interpretation guidelines (Richards et al. 2015 PMID: 25741868, with internal and published modifications).